The following is an entry in ClinVar:

ClinVar aggregate classification (germline): Uncertain significance (1 of 4 stars; one submission).

Conditions:
Familial cancer of breast. Also called: Hereditary breast cancer; hereditary breast carcinoma; BREAST CANCER, FAMILIAL. Identifiers: Orphanet 227535, MedGen C0346153, MONDO:0016419, OMIM 114480. Disease mechanism: loss of function.

Submission:

Labcorp Genetics (formerly Invitae), Labcorp
Classification: Uncertain significance for Familial cancer of breast. Last evaluated: 2018-08-26. Review status: criteria provided, single submitter. Criteria: Invitae Variant Classification Sherloc (09022015). Collection method: clinical testing. Allele origin: germline.
Comment: This sequence change replaces threonine with proline at codon 413 of the PALB2 protein (p.Thr413Pro). The threonine residue is highly conserved and there is a small physicochemical difference between threonine and proline. This variant is not present in population databases (ExAC no frequency). This variant has not been reported in the literature in individuals with PALB2-related disease. Algorithms developed to predict the effect of missense changes on protein structure and function are either unavailable or do not agree on the potential impact of this missense change (SIFT: "Deleterious"; PolyPhen-2: "Probably Damaging"; Align-GVGD: "Class C0"). In summary, the available evidence is currently insufficient to determine the role of this variant in disease. Therefore, it has been classified as a Variant of Uncertain Significance.

NM_024675.4(PALB2):c.1237A>C (p.Thr413Pro)

Gene: PALB2 (partner and localizer of BRCA2; minus strand). Cytogenetic location: 16p12.2.
Variant type: single nucleotide variant.
Coding change: c.1237A>C on transcript NM_024675.4 (MANE Select); coding-DNA position 1237, A replaced by C.
Protein change: p.Thr413Pro; replaces threonine 413 with proline.
Molecular consequence: missense variant.
Genome position (GRCh38, 1-based): chr16:23,635,309, T>G on the plus strand (A>C on the coding strand, the complement: PALB2 is on the minus strand). VCF-style: chr16-23635309-T-G. GRCh37 (hg19) VCF-style: chr16-23646630-T-G.
Other names: short protein forms T413P.
Identifiers: ClinVar variation 655733 (VCV000655733.9), dbSNP rs1335631200, ClinGen allele CA395132981.